The following is an entry in ClinVar:

ClinVar aggregate classification (germline): Likely pathogenic (1 of 4 stars; one submission).

Submission:

Clinical Genomics Laboratory, Laboratory for Precision Diagnostics, University of Washington
Classification: Likely pathogenic. Last evaluated: 2023-10-11. Review status: criteria provided, single submitter. Criteria: ACMG/ClinGen CNV Guidelines, 2019. Collection method: clinical testing. Allele origin: unknown. Affected: yes. Observed: 1 variant allele.
Comment: This interstitial duplication of the long arm of chromosome 10 (10q22.3 to q23.2) is 7.4 Mb and encompasses part or all of 30 protein coding genes. There is somewhat limited information on the pathogenicity of the 10q duplication. More than 20 individuals with this duplication have been reported in the literature and public databases, but not all duplication carriers showed clinical features, which suggests reduced penetrance. Among affected carriers, clinical findings are mostly nonspecific and include developmental and speech delay, dysmorphic features, and other variable findings. Inheritance from phenotypically normal parents has been demonstrated (PMID: 21248748, PMID: 36553457) as has de novo occurrence (PMID: 26383923).

Literature cited by the submitters: PubMed 36553457; PubMed 26383923; PubMed 21248748.

GRCh38/hg38 10q22.3-23.2(chr10:79817858-87185584)x3

Genes: ADIRF (adipogenesis regulatory factor; plus strand), ADIRF-AS1 (ADIRF antisense RNA 1; minus strand), AGAP11 (ArfGAP with GTPase domain, ankyrin repeat and PH domain 11; plus strand), ANXA11 (annexin A11; minus strand), BMPR1A (bone morphogenetic protein receptor type 1A; plus strand) and 169 more. Cytogenetic location: 10q22.3-23.2.
Variant type: copy number gain.
Change: copy number 3 (three copies instead of two) of chr10:79,817,858-87,185,584 (7.37 Mb, GRCh38 coordinates, 1-based), cytogenetic band 10q22.3-23.2.
Identifiers: ClinVar variation 4890953 (VCV004890953.1).